The following is an entry in ClinVar:

ClinVar aggregate classification (germline): Uncertain significance. Review status: criteria provided, multiple submitters, no conflicts (2 of 4 stars). 2 submissions from 2 submitters: Uncertain significance (2). Last evaluated 2024-12-02.

Conditions:
Inborn genetic diseases. Identifiers: MedGen C0950123, MeSH D030342.

Allele frequency attached by ClinVar (database versions not stated): TOPMed 0.00002; ESP Exome Variant Server 0.00008; gnomAD exomes 0.00001.
gnomAD v4.1: 14 of 1,612,300 alleles (0.00087%); highest among the groups gnomAD compares: Admixed American, 0.0033%; no homozygotes.

Submissions (2):

Ambry Genetics
Classification: Uncertain significance for Inborn genetic diseases. Last evaluated: 2024-12-02. Review status: criteria provided, single submitter. Criteria: Ambry Variant Classification Scheme 2023. Collection method: clinical testing. Allele origin: germline.

Labcorp Genetics (formerly Invitae), Labcorp
Classification: Uncertain significance. Last evaluated: 2022-10-31. Review status: criteria provided, single submitter. Criteria: Invitae Variant Classification Sherloc (09022015). Collection method: clinical testing. Allele origin: germline.
Comment: This sequence change replaces arginine, which is basic and polar, with glutamine, which is neutral and polar, at codon 220 of the ADAMTS17 protein (p.Arg220Gln). This variant is present in population databases (rs144793764, gnomAD 0.002%). This variant has not been reported in the literature in individuals affected with ADAMTS17-related conditions. ClinVar contains an entry for this variant (Variation ID: 1361838). Algorithms developed to predict the effect of missense changes on protein structure and function are either unavailable or do not agree on the potential impact of this missense change (SIFT: "Not Available"; PolyPhen-2: "Probably Damaging"; Align-GVGD: "Not Available"). In summary, the available evidence is currently insufficient to determine the role of this variant in disease. Therefore, it has been classified as a Variant of Uncertain Significance.

NM_139057.4(ADAMTS17):c.659G>A (p.Arg220Gln)

Gene: ADAMTS17 (ADAM metallopeptidase with thrombospondin type 1 motif 17; minus strand). Cytogenetic location: 15q26.3.
Variant type: single nucleotide variant.
Coding change: c.659G>A on transcript NM_139057.4 (MANE Select); coding-DNA position 659, G replaced by A.
Protein change: p.Arg220Gln; replaces arginine 220 with glutamine.
Molecular consequence: missense variant.
Genome position (GRCh38, 1-based): chr15:100,281,359, C>T on the plus strand (G>A on the coding strand, the complement: ADAMTS17 is on the minus strand). VCF-style: chr15-100281359-C-T. GRCh37 (hg19) VCF-style: chr15-100821564-C-T.
Other names: c.659G>A (NM_139057.2); short protein forms R220Q.
Identifiers: ClinVar variation 1361838 (VCV001361838.4), dbSNP rs144793764, ClinGen allele CA275521266.